The following is an entry in ClinVar:

ClinVar aggregate classification (germline): Uncertain significance (1 of 4 stars; one submission).

Conditions:
Hereditary cancer-predisposing syndrome. Also called: Tumor predisposition; Neoplastic Syndromes, Hereditary; Hereditary neoplastic syndrome; Hereditary Cancer Syndrome. Identifiers: Orphanet 140162, MedGen C0027672, MeSH D009386, MONDO:0015356.

Submission:

Ambry Genetics
Classification: Uncertain significance for Hereditary cancer-predisposing syndrome. Last evaluated: 2024-06-30. Review status: criteria provided, single submitter. Criteria: Ambry Variant Classification Scheme 2023. Collection method: clinical testing. Allele origin: germline.
Comment: The p.N494T variant (also known as c.1481A>C), located in coding exon 6 of the BARD1 gene, results from an A to C substitution at nucleotide position 1481. The asparagine at codon 494 is replaced by threonine, an amino acid with similar properties. This amino acid position is conserved. In addition, the in silico prediction for this alteration is inconclusive. Based on the available evidence, the clinical significance of this variant remains unclear.

NM_000465.4(BARD1):c.1481A>C (p.Asn494Thr)

Gene: BARD1 (BRCA1 associated RING domain 1; minus strand). Cytogenetic location: 2q35.
Variant type: single nucleotide variant.
Coding change: c.1481A>C on transcript NM_000465.4 (MANE Select); coding-DNA position 1481, A replaced by C.
Protein change: p.Asn494Thr; replaces asparagine 494 with threonine.
Molecular consequence: missense variant. On other transcripts: non-coding transcript variant (3), intron variant (3).
Genome position (GRCh38, 1-based): chr2:214,767,569, T>G on the plus strand (A>C on the coding strand, the complement: BARD1 is on the minus strand). VCF-style: chr2-214767569-T-G. GRCh37 (hg19) VCF-style: chr2-215632293-T-G.
Other names: c.1424A>C, p.Asn475Thr (NM_001282543.2); c.159-15014A>C (NM_001282548.2); c.216-15014A>C (NM_001282545.2); c.364+24728A>C (NM_001282549.2); short protein forms N475T, N494T.
Identifiers: ClinVar variation 3479640 (VCV003479640.1).